The following is an entry in ClinVar:

ClinVar aggregate classification (germline): Pathogenic. Review status: criteria provided, single submitter (1 of 4 stars). 2 submissions from 2 submitters: Pathogenic (1). 1 of the submissions does not count toward it. Last evaluated 2021-08-01.

Conditions:
Bethlem myopathy 1B (BTHLM1B). Identifiers: MedGen C5935580, MONDO:0958233, OMIM 620725.
Bethlem myopathy 1A. Also called: Bethlem Muscular Dystrophy; Bethlem myopathy 1; MYOPATHY, BENIGN CONGENITAL, WITH CONTRACTURES. Identifiers: Orphanet 610, MedGen CN029274, MONDO:0024530, OMIM 158810.

Submissions (2):

Labcorp Genetics (formerly Invitae), Labcorp
Classification: Pathogenic for Bethlem myopathy 1A. Last evaluated: 2021-08-01. Review status: criteria provided, single submitter. Criteria: Invitae Variant Classification Sherloc (09022015). Collection method: clinical testing. Allele origin: germline.
Comment: This variant is not present in population databases (ExAC no frequency). This sequence change affects an acceptor splice site in intron 10 of the COL6A2 gene. It is expected to disrupt RNA splicing. Variants that disrupt the donor or acceptor splice site typically lead to a loss of protein function (PMID: 16199547), and loss-of-function variants in COL6A2 are known to be disease-causing for autosomal recessive COL6A2 conditions (PMID: 21280092, 20976770). However, certain variants affecting donor or acceptor splice sites in the triple helical domain of COL6A2 are expected to result in in-frame exon skipping and have been reported to cause autosomal dominant COL6A2-related conditions (PMID: 18366090). Disruption of this splice site has been observed in individuals with autosomal dominant COL6A2-related conditions (PMID: 17886299; Invitae). For these reasons, this variant has been classified as Pathogenic. Algorithms developed to predict the effect of sequence changes on RNA splicing suggest that this variant may disrupt the consensus splice site. ClinVar contains an entry for this variant (Variation ID: 17163).

OMIM
Classification: Pathogenic for BETHLEM MYOPATHY 1B, AUTOSOMAL DOMINANT. Last evaluated: 2007-10-01. Review status: no assertion criteria provided. Collection method: literature only. Allele origin: germline. Not counted in ClinVar's aggregate classification.

Literature cited by the submitters: PubMed 16199547 (cited by Labcorp Genetics (formerly Invitae), Labcorp); PubMed 21280092 (cited by Labcorp Genetics (formerly Invitae), Labcorp); PubMed 20976770 (cited by Labcorp Genetics (formerly Invitae), Labcorp); PubMed 18366090 (cited by Labcorp Genetics (formerly Invitae), Labcorp); PubMed 17886299 (cited by Labcorp Genetics (formerly Invitae), Labcorp and OMIM).

NM_001849.4(COL6A2):c.1000-2A>G

Gene: COL6A2 (collagen type VI alpha 2 chain; plus strand). Cytogenetic location: 21q22.3.
Variant type: single nucleotide variant.
Coding change: c.1000-2A>G on transcript NM_001849.4 (MANE Select); the canonical splice acceptor site of the intron before coding-DNA position 1000, A replaced by G.
Molecular consequence: splice acceptor variant.
Genome position (GRCh38, 1-based): chr21:46,117,398, A>G. VCF-style: chr21-46117398-A-G. GRCh37 (hg19) VCF-style: chr21-47537312-A-G.
Other names: IVS10AS, A-G, -2; c.1000-2A>G (NM_058175.3, NM_058174.3).
Identifiers: ClinVar variation 17163 (VCV000017163.10), dbSNP rs1555873356, ClinGen allele CA410527295.